The following is an entry in ClinVar:

ClinVar aggregate classification (germline): Likely benign (1 of 4 stars; one submission).

gnomAD v4.1: 64 of 1,614,010 alleles (0.004%); highest among the groups gnomAD compares: Non-Finnish European, 0.0052%; no homozygotes.

Submission:

CeGaT Center for Human Genetics Tuebingen
Classification: Likely benign. Last evaluated: 2025-10-01. Review status: criteria provided, single submitter. Criteria: CeGaT Center For Human Genetics Tuebingen Variant Classification Criteria Version 2. Collection method: clinical testing. Allele origin: germline. Affected: yes. Observed: 1 variant allele.
Comment: H1-4: BP4, BP7

NM_005321.3(H1-4):c.168C>T (p.Gly56=)

Gene: H1-4 (H1.4 linker histone, cluster member; plus strand). Cytogenetic location: 6p22.2.
Variant type: single nucleotide variant.
Coding change: c.168C>T on transcript NM_005321.3 (MANE Select); coding-DNA position 168, C replaced by T.
Protein change: p.Gly56=; no amino-acid change (glycine 56 retained).
Molecular consequence: synonymous variant.
Genome position (GRCh38, 1-based): chr6:26,156,558, C>T. VCF-style: chr6-26156558-C-T. GRCh37 (hg19) VCF-style: chr6-26156786-C-T.
Identifiers: ClinVar variation 4534479 (VCV004534479.6).
Genomic context (GRCh38, chr6:26,156,558, plus strand): 5'-TGGGCCCCCGGTGTCCGAGCTCATTACTAAAGCTGTTGCCGCCTCCAAGGAGCGCAGCGG[C>T]GTATCTTTGGCCGCTCTCAAGAAAGCGCTGGCAGCCGCTGGCTATGACGTGGAGAAGAAC-3'
Protein context (NP_005312.1, residues 46-66): KAVAASKERS[Gly56=]VSLAALKKAL